The following is an entry in ClinVar:

NM_005477.3(HCN4):c.-34C>T

Gene: HCN4 (hyperpolarization activated cyclic nucleotide gated potassium channel 4; minus strand). Cytogenetic location: 15q24.1.
Variant type: single nucleotide variant.
Coding change: c.-34C>T on transcript NM_005477.3 (MANE Select); 34 bases upstream of the start codon, C replaced by T.
Molecular consequence: 5 prime UTR variant.
Genome position (GRCh38, 1-based): chr15:73,368,304, G>A on the plus strand (C>T on the coding strand, the complement: HCN4 is on the minus strand). VCF-style: chr15-73368304-G-A. GRCh37 (hg19) VCF-style: chr15-73660645-G-A.
Identifiers: ClinVar variation 377949 (VCV000377949.2), dbSNP rs547829940, ClinGen allele CA7649516.

ClinVar aggregate classification (germline): Benign. Review status: criteria provided, multiple submitters, no conflicts (2 of 4 stars). 2 submissions from 2 submitters: Benign (2). Last evaluated 2016-09-07.

Allele frequency attached by ClinVar (database versions not stated): ExAC 0.00033; gnomAD exomes 0.00057; gnomAD 0.00323 and 0.00340; TOPMed 0.00369; 1000 Genomes Project 0.00519; 1000 Genomes Project 30x 0.00531.
gnomAD v4.1: 905 of 1,424,990 alleles (0.064%); highest among the groups gnomAD compares: African/African-American, 1.1%; 7 homozygotes.

Submissions (2):

GeneDx
Classification: Benign. Last evaluated: 2016-09-07. Review status: criteria provided, single submitter. Criteria: GeneDx Variant Classification (06012015). Collection method: clinical testing. Allele origin: germline. Affected: yes.
Comment: This variant is considered likely benign or benign based on one or more of the following criteria: it is a conservative change, it occurs at a poorly conserved position in the protein, it is predicted to be benign by multiple in silico algorithms, and/or has population frequency not consistent with disease.

Breakthrough Genomics
Classification: Benign. Review status: criteria provided, single submitter. Criteria: ACMG Guidelines, 2015. Collection method: not provided. Allele origin: germline. Inheritance: Autosomal dominant inheritance. Affected: yes.